The following is an entry in ClinVar:

NM_182914.3(SYNE2):c.8531G>A (p.Arg2844Lys)

Gene: SYNE2 (spectrin repeat containing nuclear envelope protein 2; plus strand). Cytogenetic location: 14q23.2.
Variant type: single nucleotide variant.
Coding change: c.8531G>A on transcript NM_182914.3 (MANE Select); coding-DNA position 8531, G replaced by A.
Protein change: p.Arg2844Lys; replaces arginine 2844 with lysine.
Molecular consequence: missense variant.
Genome position (GRCh38, 1-based): chr14:64,052,444, G>A. VCF-style: chr14-64052444-G-A. GRCh37 (hg19) VCF-style: chr14-64519162-G-A.
Other names: c.8531G>A, p.Arg2844Lys (NM_015180.6); short protein forms R2844K.
Identifiers: ClinVar variation 2155069 (VCV002155069.4), dbSNP rs762975055, ClinGen allele CA7221123.

ClinVar aggregate classification (germline): Uncertain significance (1 of 4 stars; one submission).

Conditions:
Emery-Dreifuss muscular dystrophy 5, autosomal dominant (EDMD5). Also called: EMERY-DREIFUSS MUSCULAR DYSTROPHY 5. Identifiers: Orphanet 261, MedGen C2751805, MONDO:0013072, OMIM 612999.

Allele frequency attached by ClinVar (database versions not stated): gnomAD exomes 0.00001; ExAC 0.00002; TOPMed 0.00002.
gnomAD v4.1: 8 of 1,613,022 alleles (0.0005%); highest among the groups gnomAD compares: Admixed American, 0.01%; no homozygotes.

Submission:

Labcorp Genetics (formerly Invitae), Labcorp
Classification: Uncertain significance for Emery-Dreifuss muscular dystrophy 5, autosomal dominant. Last evaluated: 2025-02-12. Review status: criteria provided, single submitter. Criteria: Invitae Variant Classification Sherloc (09022015). Collection method: clinical testing. Allele origin: germline.
Comment: This sequence change replaces arginine, which is basic and polar, with lysine, which is basic and polar, at codon 2844 of the SYNE2 protein (p.Arg2844Lys). This variant is present in population databases (rs762975055, gnomAD 0.01%). This variant has not been reported in the literature in individuals affected with SYNE2-related conditions. ClinVar contains an entry for this variant (Variation ID: 2155069). An algorithm developed to predict the effect of missense changes on protein structure and function outputs the following: PolyPhen-2: "Benign". The lysine amino acid residue is found in multiple mammalian species, which suggests that this missense change does not adversely affect protein function. In summary, the available evidence is currently insufficient to determine the role of this variant in disease. Therefore, it has been classified as a Variant of Uncertain Significance.